The following is an entry in ClinVar:

Conditions:
Breast-ovarian cancer, familial, susceptibility to, 1 (BROVCA1). Also called: BRCA1 Hereditary Breast and Ovarian Cancer; OVARIAN CANCER, SUSCEPTIBILITY TO. Identifiers: Orphanet 145, MedGen C2676676, MONDO:0011450, OMIM 604370. Disease mechanism: loss of function.

Submission:

Brotman Baty Institute, University of Washington
No classification provided (evidence only). Condition: Breast-ovarian cancer, familial 1. Review status: no classification provided. Collection method: in vitro. Allele origin: not applicable. Functional consequence: functionally_normal.
ClinVar note: "not provided" was previously submitted as the classification for the variant. However, the classification appeared to be based only on an observation of functional data so it was converted to no classification on 2025-07-30.

NM_007294.4(BRCA1):c.5153-5T>A

Gene: BRCA1 (BRCA1 DNA repair associated; minus strand). Cytogenetic location: 17q21.31.
Variant type: single nucleotide variant.
Coding change: c.5153-5T>A on transcript NM_007294.4 (MANE Select); 5 bases into the intron before coding-DNA position 5153, T replaced by A.
Molecular consequence: intron variant.
Genome position (GRCh38, 1-based): chr17:43,063,378, A>T on the plus strand (T>A on the coding strand, the complement: BRCA1 is on the minus strand). VCF-style: chr17-43063378-A-T. GRCh37 (hg19) VCF-style: chr17-41215395-A-T.
Other names: c.1700-5T>A (NM_001408458.1, NM_001408461.1, NM_001408464.1 and 7 more transcripts); c.4262-5T>A (NM_001407967.1); c.4772-5T>A (NM_001407959.1); c.4886-5T>A (NM_001407931.1, NM_001407932.1, NM_001407928.1 and 4 more transcripts); c.5009-5T>A (NM_001407747.1, NM_001407745.1, NM_001407737.1 and 21 more transcripts); c.4769-5T>A (NM_001407962.1, NM_001407960.1); c.1340-5T>A (NM_001408512.1); c.1463-5T>A (NM_001408510.1); and 72 more.
Identifiers: ClinVar variation 867741 (VCV000867741.3), dbSNP rs1218652386, ClinGen allele CA916080050.